The following is an entry in ClinVar:

NM_017882.3(CLN6):c.311C>T (p.Ser104Phe)

Gene: CLN6 (CLN6 transmembrane ER protein; minus strand). Cytogenetic location: 15q23.
Variant type: single nucleotide variant.
Coding change: c.311C>T on transcript NM_017882.3 (MANE Select); coding-DNA position 311, C replaced by T.
Protein change: p.Ser104Phe; replaces serine 104 with phenylalanine.
Molecular consequence: missense variant.
Genome position (GRCh38, 1-based): chr15:68,211,850, G>A on the plus strand (C>T on the coding strand, the complement: CLN6 is on the minus strand). VCF-style: chr15-68211850-G-A. GRCh37 (hg19) VCF-style: chr15-68504188-G-A.
Other names: c.311C>T (NM_017882.2); short protein forms S104F.
Identifiers: ClinVar variation 1059430 (VCV001059430.12), dbSNP rs777921628, ClinGen allele CA392973689.

ClinVar aggregate classification (germline): Conflicting classifications of pathogenicity. Review status: criteria provided, conflicting classifications (1 of 4 stars). 4 submissions from 4 submitters: Likely pathogenic (2); Uncertain significance (2). Last evaluated 2026-07-30.

Conditions:
Ceroid lipofuscinosis, neuronal, 6A. Also called: Neuronal ceroid lipofuscinosis, Gypsy/Indian early juvenile variant; Neuronal ceroid lipofuscinosis 6; CLN6-Related Neuronal Ceroid-Lipofuscinosis; Neuronal ceroid lipofuscinosis, late infantile, variant. Identifiers: Orphanet 168491, Orphanet 228363, MedGen C5551375, MONDO:0011144, OMIM 601780.
Neuronal ceroid lipofuscinosis. Also called: Neuronal Ceroid Lipofuscinoses. Identifiers: Orphanet 216, Orphanet 79263, MedGen C0027877, MONDO:0016295. Disease mechanism: loss of function.

Submissions (4):

Myriad Genetics, Inc.
Classification: Uncertain significance for Neuronal ceroid lipofuscinosis. Last evaluated: 2026-07-30. Review status: criteria provided, single submitter. Criteria: Myriad Autosomal Dominant, Autosomal Recessive and X-Linked Classification Criteria (2023). Collection method: clinical testing. Allele origin: unknown.
Comment: NM_017882.2(CLN6):c.311C>T(S104F) is a missense variant classified as a variant of uncertain significance in the context of neuronal ceroid lipofuscinosis, CLN6-related. S104F has been observed in cases with relevant disease (PMID: 21990111 26075876 39675099). Relevant functional assessments of this variant are not available in the literature. S104F has not been observed in referenced population frequency databases. In summary, there is insufficient evidence to classify NM_017882.2(CLN6):c.311C>T(S104F) as pathogenic or benign. Please note: this variant was assessed in the context of healthy population screening.

Women's Health and Genetics/Laboratory Corporation of America, LabCorp
Classification: Likely pathogenic for Neuronal ceroid lipofuscinosis. Last evaluated: 2026-01-23. Review status: criteria provided, single submitter. Criteria: LabCorp Variant Classification Summary - May 2015. Collection method: clinical testing. Allele origin: germline.
Comment: Variant summary: CLN6 c.311C>T (p.Ser104Phe) results in a non-conservative amino acid change in the encoded protein sequence. Algorithms developed to predict the effect of missense changes on protein structure and function all suggest that this variant is likely to be disruptive. The variant was absent in 250540 control chromosomes (gnomAD). c.311C>T has been observed in individuals affected with Neuronal Ceroid-Lipofuscinosis (Batten Disease) (Kousi_2012, Di Fruscio_2015, Thuppanattumadam_2025). These data indicate that the variant is likely to be associated with disease. To our knowledge, no experimental evidence demonstrating an impact on protein function has been reported. The following publications have been ascertained in the context of this evaluation (PMID: 26075876, 21990111, 39675099). ClinVar contains an entry for this variant (Variation ID: 1059430). Based on the evidence outlined above, the variant was classified as likely pathogenic.

Human Genome Lab, NIMHANS, National Institute of Mental Health and Neuro Sciences
Classification: Likely pathogenic for Ceroid lipofuscinosis, neuronal, 6A. Last evaluated: 2023-10-19. Review status: criteria provided, single submitter. Criteria: ACMG Guidelines, 2015. Collection method: clinical testing. Allele origin: germline. Inheritance: Autosomal recessive inheritance. Affected: yes. Observed: 1 homozygote.
Comment: The missense variant NM_017882.3(CLN6):c.311C>T is a previously reported variant of uncertain significance (ClinVar Accession ID: VCV001059430.5). The NP_060352.1:p.Ser104Phe variant is novel (not in any individuals) in 1000 genome, in gnomAD as well as in our inhouse database. There is a large physicochemical difference between serine and phenylalanine, which is likely to impact secondary protein structure as these residues differ in polarity, charge, size and/or other properties. 3 variants within 6 amino acid positions of the variant p.Ser104Phe have been shown to be pathogenic, while none have been shown to be benign. The p.Ser104Phe missense variant is predicted to be damaging by both SIFT and PolyPhen2. The nucleotide c.311 in CLN6 is predicted conserved by GERP++ and PhyloP across 100 vertebrates. In addition, the patient’s phenotype matches with that of the disorder caused by pathogenic variants in CLN6. For these reasons, this variant has been classified as Likely Pathogenic (PM2 PM1 PP3 PP4_Moderate)

Labcorp Genetics (formerly Invitae), Labcorp
Classification: Uncertain significance for Neuronal ceroid lipofuscinosis. Last evaluated: 2021-11-26. Review status: criteria provided, single submitter. Criteria: Invitae Variant Classification Sherloc (09022015). Collection method: clinical testing. Allele origin: germline.
Comment: In summary, the available evidence is currently insufficient to determine the role of this variant in disease. Therefore, it has been classified as a Variant of Uncertain Significance. This sequence change replaces serine, which is neutral and polar, with phenylalanine, which is neutral and non-polar, at codon 104 of the CLN6 protein (p.Ser104Phe). This variant is not present in population databases (gnomAD no frequency). This missense change has been observed in individual(s) with clinical features of neuronal ceroid lipofuscinosis (PMID: 21990111). ClinVar contains an entry for this variant (Variation ID: 1059430). Algorithms developed to predict the effect of missense changes on protein structure and function are either unavailable or do not agree on the potential impact of this missense change (SIFT: "Deleterious"; PolyPhen-2: "Possibly Damaging"; Align-GVGD: "Class C15").

Literature cited by the submitters: PubMed 21990111 (cited by Women's Health and Genetics/Laboratory Corporation of America, LabCorp and Labcorp Genetics (formerly Invitae), Labcorp); PubMed 26075876 (cited by Women's Health and Genetics/Laboratory Corporation of America, LabCorp); PubMed 39675099 (cited by Women's Health and Genetics/Laboratory Corporation of America, LabCorp).